The following is an entry in ClinVar:

ClinVar aggregate classification (germline): Likely benign. Review status: criteria provided, single submitter (1 of 4 stars). 2 submissions from 2 submitters: Likely benign (1). 1 of the submissions does not count toward it. Last evaluated 2025-06-12.

Conditions:
CYP17A1-related disorder. Also called: CYP17A1-related condition.

Allele frequency attached by ClinVar (database versions not stated): gnomAD exomes 0.00002; ExAC 0.00007; ESP Exome Variant Server 0.00016; gnomAD 0.00023; TOPMed 0.00032.

Submissions (2):

Labcorp Genetics (formerly Invitae), Labcorp
Classification: Likely benign. Last evaluated: 2025-06-12. Review status: criteria provided, single submitter. Criteria: Invitae Variant Classification Sherloc (09022015). Collection method: clinical testing. Allele origin: germline.

PreventionGenetics, part of Exact Sciences
Classification: Likely benign for CYP17A1-related condition. Last evaluated: 2022-08-26. Review status: no assertion criteria provided. Collection method: clinical testing. Allele origin: germline. Not counted in ClinVar's aggregate classification.
Comment: This variant is classified as likely benign based on ACMG/AMP sequence variant interpretation guidelines (Richards et al. 2015 PMID: 25741868, with internal and published modifications).

NM_000102.4(CYP17A1):c.754-10_754-9insAA

Genes: CYP17A1 (cytochrome P450 family 17 subfamily A member 1; minus strand), CYP17A1-AS1 (CYP17A1 antisense RNA 1; plus strand). Cytogenetic location: 10q24.32.
Variant type: Insertion.
Coding change: c.754-10_754-9insAA on transcript NM_000102.4 (MANE Select); 10 bases into the intron before coding-DNA position 754 through 9 bases into the intron before coding-DNA position 754, AA inserted.
Molecular consequence: intron variant.
Genome position: GRCh38 VCF-style: chr10-102833217-G-GTT. GRCh37 (hg19) VCF-style: chr10-104592974-G-GTT.
Other names: c.754-10_754-9insAA (NM_000102.3).
Identifiers: ClinVar variation 2067204 (VCV002067204.6), dbSNP rs754115061, ClinGen allele CA5669469.